The following is an entry in ClinVar:

NM_001081.4(CUBN):c.2791+7G>A

Gene: CUBN (cubilin; minus strand). Cytogenetic location: 10p13.
Variant type: single nucleotide variant.
Coding change: c.2791+7G>A on transcript NM_001081.4 (MANE Select); 7 bases into the intron after coding-DNA position 2791, G replaced by A.
Molecular consequence: intron variant.
Genome position (GRCh38, 1-based): chr10:17,068,598, C>T on the plus strand (G>A on the coding strand, the complement: CUBN is on the minus strand). VCF-style: chr10-17068598-C-T. GRCh37 (hg19) VCF-style: chr10-17110597-C-T.
Identifiers: ClinVar variation 3036185 (VCV003036185.2), dbSNP rs2491981789, ClinGen allele CA2574521692.

ClinVar aggregate classification (germline): Likely benign (0 of 4 stars; one submission).

Conditions:
CUBN-related disorder. Also called: CUBN-related condition.

Allele frequency attached by ClinVar (database versions not stated): gnomAD exomes below 0.00001.
gnomAD v4.1: 4 of 1,606,012 alleles (0.00025%); highest among the groups gnomAD compares: Middle Eastern, 0.066%; no homozygotes.

Submission:

PreventionGenetics, part of Exact Sciences
Classification: Likely benign for CUBN-related condition. Last evaluated: 2020-06-23. Review status: no assertion criteria provided. Collection method: clinical testing. Allele origin: germline.
Comment: This variant is classified as likely benign based on ACMG/AMP sequence variant interpretation guidelines (Richards et al. 2015 PMID: 25741868, with internal and published modifications).